The following is an entry in ClinVar:

ClinVar aggregate classification (germline): Uncertain significance (1 of 4 stars; one submission).

Conditions:
Ataxia-telangiectasia syndrome (AT). Also called: Cerebello-oculocutaneous telangiectasia; Immunodeficiency with ataxia telangiectasia; Ataxia-telangiectasia, complementation group E; LOUIS-BAR SYNDROME; Ataxia telangiectasia (A-T); AT, COMPLEMENTATION GROUP C. Identifiers: Orphanet 100, MedGen C0004135, MONDO:0008840, OMIM 208900.

Submission:

Labcorp Genetics (formerly Invitae), Labcorp
Classification: Uncertain significance for Ataxia-telangiectasia syndrome. Last evaluated: 2023-11-09. Review status: criteria provided, single submitter. Criteria: Invitae Variant Classification Sherloc (09022015). Collection method: clinical testing. Allele origin: germline.
Comment: This sequence change falls in intron 32 of the ATM gene. It does not directly change the encoded amino acid sequence of the ATM protein. This variant is not present in population databases (gnomAD no frequency). This variant has not been reported in the literature in individuals affected with ATM-related conditions. Experimental studies and prediction algorithms are not available or were not evaluated, and the effect of this variant on mRNA splicing is currently unknown. In summary, the available evidence is currently insufficient to determine the role of this variant in disease. Therefore, it has been classified as a Variant of Uncertain Significance.

NM_000051.4(ATM):c.4910-16_4910-5delinsTTTTTTTTTTTTTTTTTTTTTTTTTTNNNNNNNNNNCCCGGACGGGGCGGCTGGCCGGGCAGAGGGGCTCCTCACTTCCCAGTAGGGGCGGATTATCTAGAAATAATTTTTTAAAAATTAGTTTAAA

Gene: ATM (ATM serine/threonine kinase; plus strand). Cytogenetic location: 11q22.3.
Variant type: Indel.
Coding change: c.4910-16_4910-5delinsTTTTTTTTTTTTTTTTTTTTTTTTTTNNNNNNNNNNCCCGGACGGGGCGGCTGGCCGGGCAGAGGGGCTCCTCACTTCCCAGTAGGGGCGGATTATCTAGAAATAATTTTTTAAAAATTAGTTTAAA on transcript NM_000051.4 (MANE Select); 16 bases into the intron before coding-DNA position 4910 through 5 bases into the intron before coding-DNA position 4910, the reference bases replaced by an inserted sequence.
Molecular consequence: intron variant.
Genome position (GRCh38, 1-based): chr11:108,297,271-108,297,282, 12 bases replaced. GRCh37 (hg19): chr11:108,167,998-108,168,009.
Other names: c.4910-16_4910-5delinsTTTTTTTTTTTTTTTTTTTTTTTTTTNNNNNNNNNNCCCGGACGGGGCGGCTGGCCGGGCAGAGGGGCTCCTCACTTCCCAGTAGGGGCGGATTATCTAGAAATAATTTTTTAAAAATTAGTTTAAA (NM_001351834.2).
Identifiers: ClinVar variation 2694617 (VCV002694617.3), dbSNP rs2546953873.